The following is an entry in ClinVar:

NM_001371986.1(UNC80):c.9888G>C (p.Met3296Ile)

Gene: UNC80 (unc-80 subunit of NALCN channel complex; plus strand). Cytogenetic location: 2q34.
Variant type: single nucleotide variant.
Coding change: c.9888G>C on transcript NM_001371986.1 (MANE Select); coding-DNA position 9888, G replaced by C.
Protein change: p.Met3296Ile; replaces methionine 3296 with isoleucine.
Molecular consequence: missense variant.
Genome position (GRCh38, 1-based): chr2:209,995,508, G>C. VCF-style: chr2-209995508-G-C. GRCh37 (hg19) VCF-style: chr2-210860232-G-C.
Other names: c.9690G>C, p.Met3230Ile (NM_032504.2); c.9618G>C, p.Met3206Ile (NM_182587.4); short protein forms M3206I, M3296I, M3230I.
Identifiers: ClinVar variation 1032293 (VCV001032293.12), dbSNP rs200723471, ClinGen allele CA2083723.

ClinVar aggregate classification (germline): Uncertain significance. Review status: criteria provided, multiple submitters, no conflicts (2 of 4 stars). 4 submissions from 4 submitters: Uncertain significance (4). Last evaluated 2026-09-02.

Conditions:
Hypotonia, infantile, with psychomotor retardation and characteristic facies 2 (IHPRF2). Also called: UNC80 Deficiency. Identifiers: Orphanet 371364, Orphanet 700333, MedGen C4225203, MONDO:0014777, OMIM 616801.
Inborn genetic diseases. Identifiers: MedGen C0950123, MeSH D030342.

Allele frequency attached by ClinVar (database versions not stated): ExAC 0.00009; gnomAD exomes 0.00015 and 0.00037; gnomAD 0.00017; TOPMed 0.00022.
gnomAD v4.1: 563 of 1,551,764 alleles (0.036%); highest among the groups gnomAD compares: Non-Finnish European, 0.045%; no homozygotes.

Submissions (4):

GeneDx
Classification: Uncertain significance. Last evaluated: 2026-09-02. Review status: criteria provided, single submitter. Criteria: GeneDx Variant Classification Process June 2021. Collection method: clinical testing. Allele origin: germline.
Comment: In silico analysis suggests that this missense variant does not alter protein structure/function; Has not been previously published as pathogenic or benign to our knowledge

Ambry Genetics
Classification: Uncertain significance for Inborn genetic diseases. Last evaluated: 2025-06-10. Review status: criteria provided, single submitter. Criteria: Ambry Variant Classification Scheme 2023. Collection method: clinical testing. Allele origin: germline.

Baylor Genetics
Classification: Uncertain significance for Hypotonia, infantile, with psychomotor retardation and characteristic facies 2. Last evaluated: 2023-04-03. Review status: criteria provided, single submitter. Criteria: ACMG Guidelines, 2015. Collection method: clinical testing. Allele origin: unknown.

Labcorp Genetics (formerly Invitae), Labcorp
Classification: Uncertain significance. Last evaluated: 2022-07-22. Review status: criteria provided, single submitter. Criteria: Invitae Variant Classification Sherloc (09022015). Collection method: clinical testing. Allele origin: germline.
Comment: This sequence change replaces methionine, which is neutral and non-polar, with isoleucine, which is neutral and non-polar, at codon 3230 of the UNC80 protein (p.Met3230Ile). This variant is present in population databases (rs200723471, gnomAD 0.03%). This variant has not been reported in the literature in individuals affected with UNC80-related conditions. ClinVar contains an entry for this variant (Variation ID: 1032293). Algorithms developed to predict the effect of missense changes on protein structure and function are either unavailable or do not agree on the potential impact of this missense change (SIFT: "Not Available"; PolyPhen-2: "Benign"; Align-GVGD: "Not Available"). In summary, the available evidence is currently insufficient to determine the role of this variant in disease. Therefore, it has been classified as a Variant of Uncertain Significance.